The following is an entry in ClinVar:

NM_014915.3(ANKRD26):c.652A>G (p.Ile218Val)

Gene: ANKRD26 (ankyrin repeat domain containing 26; minus strand). Cytogenetic location: 10p12.1.
Variant type: single nucleotide variant.
Coding change: c.652A>G on transcript NM_014915.3 (MANE Select); coding-DNA position 652, A replaced by G.
Protein change: p.Ile218Val; replaces isoleucine 218 with valine.
Molecular consequence: missense variant.
Genome position (GRCh38, 1-based): chr10:27,086,596, T>C on the plus strand (A>G on the coding strand, the complement: ANKRD26 is on the minus strand). VCF-style: chr10-27086596-T-C. GRCh37 (hg19) VCF-style: chr10-27375525-T-C.
Other names: c.652A>G, p.Ile218Val (NM_001256053.2); short protein forms I218V.
Identifiers: ClinVar variation 4103694 (VCV004103694.1).

ClinVar aggregate classification (germline): Uncertain significance (1 of 4 stars; one submission).

Conditions:
Inborn genetic diseases. Identifiers: MedGen C0950123, MeSH D030342.

Submission:

Ambry Genetics
Classification: Uncertain significance for Inborn genetic diseases. Last evaluated: 2025-07-24. Review status: criteria provided, single submitter. Criteria: Ambry Variant Classification Scheme 2023. Collection method: clinical testing. Allele origin: germline.
Comment: The p.I218V variant (also known as c.652A>G), located in coding exon 5 of the ANKRD26 gene, results from an A to G substitution at nucleotide position 652. The isoleucine at codon 218 is replaced by valine, an amino acid with highly similar properties. This amino acid position is conserved. In addition, this alteration is predicted to be tolerated by in silico analysis. Based on the available evidence, the clinical significance of this variant remains unclear.